The following is an entry in ClinVar:

ClinVar aggregate classification (germline): Uncertain significance. Review status: criteria provided, multiple submitters, no conflicts (2 of 4 stars). 2 submissions from 2 submitters: Uncertain significance (2). Last evaluated 2026-07-01.

Conditions:
Cystic fibrosis (CF). Also called: MUCOVISCIDOSIS. Identifiers: Orphanet 586, MedGen C0010674, MONDO:0009061, OMIM 219700. Disease mechanism: loss of function.

Submissions (2):

CeGaT Center for Human Genetics Tuebingen
Classification: Uncertain significance. Last evaluated: 2026-07-01. Review status: criteria provided, single submitter. Criteria: CeGaT Center For Human Genetics Tuebingen Variant Classification Criteria Version 2. Collection method: clinical testing. Allele origin: germline. Affected: yes. Observed: 1 variant allele.
Comment: CFTR: PM2, PM4

Institute of Human Genetics, University of Leipzig Medical Center
Classification: Uncertain significance for Cystic fibrosis. Last evaluated: 2022-09-05. Review status: criteria provided, single submitter. Criteria: ACMG Guidelines, 2015. Collection method: curation. Allele origin: unknown. Affected: yes. Observed: 1 variant allele.
Comment: The variant was classified in the context of a project re-classifying variants in the German Cystic Fibrosis Registry (Muko.e.V.). Criteria applied: PM4, PM2_SUP, PM3

NM_000492.4(CFTR):c.288_296del (p.Val97_Pro99del)

Gene: CFTR (CF transmembrane conductance regulator; plus strand). Cytogenetic location: 7q31.2.
Variant type: Deletion.
Coding change: c.288_296del on transcript NM_000492.4 (MANE Select); coding-DNA positions 288 to 296, 9 bases deleted (AGTACAGCC; older notation c.288_296delAGTACAGCC).
Protein change: p.Val97_Pro99del.
Molecular consequence: inframe deletion.
Genome position (GRCh38, 1-based): chr7:117,530,913-117,530,921, AGTACAGCC deleted; deleting any 9 consecutive bases within chr7:117,530,912-117,530,921 gives the same sequence; the c. name uses the placement nearest the transcript's 3' end. VCF-style (leftmost placement, unchanged base first): chr7-117530911-GCAGTACAGC-G. GRCh37 (hg19) VCF-style: chr7-117170965-GCAGTACAGC-G.
Other names: 420del9.
Identifiers: ClinVar variation 1705998 (VCV001705998.2), dbSNP rs2485008863, ClinGen allele CA2580076278.